The following is an entry in ClinVar:

NM_001101.5(ACTB):c.834C>A (p.Thr278=)

Gene: ACTB (actin beta; minus strand). Cytogenetic location: 7p22.1.
Variant type: single nucleotide variant.
Coding change: c.834C>A on transcript NM_001101.5 (MANE Select); coding-DNA position 834, C replaced by A.
Protein change: p.Thr278=; no amino-acid change (threonine 278 retained).
Molecular consequence: synonymous variant.
Genome position (GRCh38, 1-based): chr7:5,528,154, G>T on the plus strand (C>A on the coding strand, the complement: ACTB is on the minus strand). VCF-style: chr7-5528154-G-T. GRCh37 (hg19) VCF-style: chr7-5567785-G-T.
Identifiers: ClinVar variation 771981 (VCV000771981.9), dbSNP rs754810018, ClinGen allele CA4146906.
Genomic context (GRCh38, chr7:5,528,154, plus strand): 5'-CACTGTGTTGGCGTACAGGTCTTTGCGGATGTCCACGTCACACTTCATGATGGAGTTGAA[G>T]GTAGTTTCGTGGATGCCACAGGACTCCATGCCTGAGAGGGAAATGAGGGCAGGACTTAGC-3'
Protein context (NP_001092.1, residues 268-288): GMESCGIHET[Thr278=]FNSIMKCDVD

ClinVar aggregate classification (germline): Likely benign. Review status: criteria provided, multiple submitters, no conflicts (2 of 4 stars). 2 submissions from 2 submitters: Likely benign (2). Last evaluated 2026-09-01.

Conditions:
Baraitser-Winter syndrome 1 (BRWS1). Also called: BARAITSER-WINTER SYNDROME 1, ATYPICAL; PACHYGYRIA, MENTAL RETARDATION, EPILEPSY, AND CHARACTERISTIC FACIES; MENTAL RETARDATION WITH EPILEPSY AND CHARACTERISTIC FACIES; Cerebrofrontofacial syndrome. Identifiers: Orphanet 2649, Orphanet 2995, MedGen C1855722, MONDO:0009470, OMIM 243310.

Allele frequency attached by ClinVar (database versions not stated): TOPMed 0.00001; ExAC 0.00002.
gnomAD v4.1: 9 of 1,614,112 alleles (0.00056%); highest among the groups gnomAD compares: Admixed American, 0.01%; no homozygotes.

Submissions (2):

CeGaT Center for Human Genetics Tuebingen
Classification: Likely benign. Last evaluated: 2026-09-01. Review status: criteria provided, single submitter. Criteria: CeGaT Center For Human Genetics Tuebingen Variant Classification Criteria Version 2. Collection method: clinical testing. Allele origin: germline. Affected: yes. Observed: 1 variant allele.
Comment: ACTB: BP4, BP7

Labcorp Genetics (formerly Invitae), Labcorp
Classification: Likely benign for Baraitser-Winter syndrome 1. Last evaluated: 2025-03-31. Review status: criteria provided, single submitter. Criteria: Invitae Variant Classification Sherloc (09022015). Collection method: clinical testing. Allele origin: germline.